The following is an entry in ClinVar:

ClinVar aggregate classification (germline): Benign (0 of 4 stars; one submission).

Conditions:
NRXN3-related disorder. Also called: NRXN3-related condition.

Submission:

PreventionGenetics, part of Exact Sciences
Classification: Benign for NRXN3-related condition. Last evaluated: 2019-03-25. Review status: no assertion criteria provided. Collection method: clinical testing. Allele origin: germline.
Comment: This variant is classified as benign based on ACMG/AMP sequence variant interpretation guidelines (Richards et al. 2015 PMID: 25741868, with internal and published modifications).

NM_001330195.2(NRXN3):c.2778-10_2778-9del

Gene: NRXN3 (neurexin 3; plus strand). Cytogenetic location: 14q31.1.
Variant type: Deletion.
Coding change: c.2778-10_2778-9del on transcript NM_001330195.2 (MANE Select); 10 bases into the intron before coding-DNA position 2778 through 9 bases into the intron before coding-DNA position 2778, 2 bases deleted (TT; older notation c.2778-10_2778-9delTT).
Molecular consequence: intron variant.
Genome position (GRCh38, 1-based): chr14:78,967,198-78,967,199, TT deleted; deleting any 2 consecutive bases within chr14:78,967,185-78,967,199 gives the same sequence; the c. name uses the placement nearest the transcript's 3' end. VCF-style (leftmost placement, unchanged base first): chr14-78967184-GTT-G. GRCh37 (hg19) VCF-style: chr14-79433527-GTT-G.
Other names: c.2790-10_2790-9del (NM_001366426.1); c.2778-10_2778-9del (NM_001366425.1); c.1659-10_1659-9del (NM_004796.6).
Identifiers: ClinVar variation 3057143 (VCV003057143.2), dbSNP rs10603296, ClinGen allele CA7291995.
Genomic context (GRCh38, chr14:78,967,184, plus strand): 5'-CCCACTATGTCAGTTACACACATATAGCCATTAAACCACTTCGGGGATTTTCCAATTATT[GTT>G]TTTTTTTTTTTTTCTTCCTAGGTATATACACTACGTTTTTGACCTCGGAAACGGTCCCAA-3'